The following is an entry in ClinVar:

ClinVar aggregate classification (germline): Uncertain significance. Review status: criteria provided, multiple submitters, no conflicts (2 of 4 stars). 2 submissions from 2 submitters: Uncertain significance (2). Last evaluated 2023-08-04.

Conditions:
Pitt-Hopkins syndrome (PTHS). Also called: ENCEPHALOPATHY, SEVERE EPILEPTIC, WITH AUTONOMIC DYSFUNCTION; MENTAL RETARDATION, SYNDROMAL, WITH INTERMITTENT HYPERVENTILATION. Identifiers: Orphanet 2896, MedGen C1970431, MONDO:0012589, OMIM 610954.

Allele frequency attached by ClinVar (database versions not stated): gnomAD exomes below 0.00001 and 0.00001; ExAC 0.00001; TOPMed 0.00002.
gnomAD v4.1: 15 of 1,613,124 alleles (0.00093%); highest among the groups gnomAD compares: South Asian, 0.0011%; no homozygotes.

Submissions (2):

Labcorp Genetics (formerly Invitae), Labcorp
Classification: Uncertain significance for Pitt-Hopkins syndrome. Last evaluated: 2023-08-04. Review status: criteria provided, single submitter. Criteria: Invitae Variant Classification Sherloc (09022015). Collection method: clinical testing. Allele origin: germline.
Comment: ClinVar contains an entry for this variant (Variation ID: 436966). In summary, the available evidence is currently insufficient to determine the role of this variant in disease. Therefore, it has been classified as a Variant of Uncertain Significance. Advanced modeling of protein sequence and biophysical properties (such as structural, functional, and spatial information, amino acid conservation, physicochemical variation, residue mobility, and thermodynamic stability) has been performed at Invitae for this missense variant, however the output from this modeling did not meet the statistical confidence thresholds required to predict the impact of this variant on TCF4 protein function. This missense change has been observed in at least one individual who was not affected with TCF4-related conditions (Invitae). This variant has not been reported in the literature in individuals affected with TCF4-related conditions. This variant is present in population databases (rs756279357, gnomAD 0.0009%). This sequence change replaces threonine, which is neutral and polar, with methionine, which is neutral and non-polar, at codon 297 of the TCF4 protein (p.Thr297Met).

Genetic Services Laboratory, University of Chicago
Classification: Uncertain significance. Last evaluated: 2015-11-12. Review status: criteria provided, single submitter. Criteria: ACMG Guidelines, 2015. Collection method: clinical testing. Allele origin: germline. Affected: no.

NM_001083962.2(TCF4):c.890C>T (p.Thr297Met)

Genes: TCF4 (transcription factor 4; minus strand), LOC126862757 (CDK7 strongly-dependent group 2 enhancer GRCh37_chr18:52936433-52937632; plus strand). Cytogenetic location: 18q21.2.
Variant type: single nucleotide variant.
Coding change: c.890C>T on transcript NM_001083962.2 (MANE Select); coding-DNA position 890, C replaced by T.
Protein change: p.Thr297Met; replaces threonine 297 with methionine.
Molecular consequence: missense variant.
Genome position (GRCh38, 1-based): chr18:55,269,863, G>A on the plus strand (C>T on the coding strand, the complement: TCF4 is on the minus strand). VCF-style: chr18-55269863-G-A. GRCh37 (hg19) VCF-style: chr18-52937094-G-A.
Other names: c.884C>T, p.Thr295Met (NM_001243230.2); c.764C>T, p.Thr255Met (NM_001243231.2, NM_001348211.2); c.677C>T, p.Thr226Met (NM_001243232.1, NM_001306208.1); c.500C>T, p.Thr167Met (NM_001243233.2, NM_001330605.3, NM_001348212.2 and 1 more transcripts); c.410C>T, p.Thr137Met (NM_001243234.2, NM_001243235.2, NM_001243236.2 and 2 more transcripts); c.818C>T, p.Thr273Met (NM_001306207.1, NM_001348219.2, NM_001369586.1 and 9 more transcripts); c.815C>T, p.Thr272Met (NM_001348220.1, NM_001369584.1, NM_001369585.1 and 3 more transcripts); c.890C>T, p.Thr297Met (NM_001369567.1, NM_001369568.1, NM_001369571.1 and 4 more transcripts); and 4 more; short protein forms T297M, T295M, T303M, T399M, T137M, T167M, T226M, T272M.
Identifiers: ClinVar variation 436966 (VCV000436966.9), dbSNP rs756279357, ClinGen allele CA8970374.